The following is an entry in ClinVar:

ClinVar aggregate classification (germline): Uncertain significance (1 of 4 stars; one submission).

Conditions:
EPILEPSY, CHILDHOOD ABSENCE, SUSCEPTIBILITY TO, 2 (ECA2). Identifiers: Orphanet 64280, MedGen C1843244, OMIM 607681.
Febrile seizures, familial, 8 (FEB8). Also called: CONVULSIONS, FAMILIAL FEBRILE, 8. Identifiers: Orphanet 36387, MedGen C1969810, MONDO:0011891, OMIM 607681.

Submission:

Labcorp Genetics (formerly Invitae), Labcorp
Classification: Uncertain significance for Febrile seizures, familial, 8; EPILEPSY, CHILDHOOD ABSENCE, SUSCEPTIBILITY TO, 2. Last evaluated: 2025-02-24. Review status: criteria provided, single submitter. Criteria: Invitae Variant Classification Sherloc (09022015). Collection method: clinical testing. Allele origin: germline.
Comment: This sequence change replaces serine, which is neutral and polar, with phenylalanine, which is neutral and non-polar, at codon 155 of the GABRG2 protein (p.Ser155Phe). This variant is not present in population databases (gnomAD no frequency). This variant has not been reported in the literature in individuals affected with GABRG2-related conditions. ClinVar contains an entry for this variant (Variation ID: 1468657). Invitae Evidence Modeling of protein sequence and biophysical properties (such as structural, functional, and spatial information, amino acid conservation, physicochemical variation, residue mobility, and thermodynamic stability) indicates that this missense variant is expected to disrupt GABRG2 protein function with a positive predictive value of 95%. In summary, the available evidence is currently insufficient to determine the role of this variant in disease. Therefore, it has been classified as a Variant of Uncertain Significance.

NM_198904.4(GABRG2):c.464C>T (p.Ser155Phe)

Gene: GABRG2 (gamma-aminobutyric acid type A receptor subunit gamma2; plus strand). Cytogenetic location: 5q34.
Variant type: single nucleotide variant.
Coding change: c.464C>T on transcript NM_198904.4 (MANE Select); coding-DNA position 464, C replaced by T.
Protein change: p.Ser155Phe; replaces serine 155 with phenylalanine.
Molecular consequence: missense variant.
Genome position (GRCh38, 1-based): chr5:162,097,774, C>T. VCF-style: chr5-162097774-C-T. GRCh37 (hg19) VCF-style: chr5-161524780-C-T.
Other names: c.464C>T, p.Ser155Phe (NM_000816.3, NM_001375340.1, NM_001375341.1 and 4 more transcripts); c.455C>T, p.Ser152Phe (NM_001375339.1); c.398C>T, p.Ser133Phe (NM_001375345.1, NM_001375346.1); c.377C>T, p.Ser126Phe (NM_001375347.1); c.44C>T, p.Ser15Phe (NM_001375348.1, NM_001375350.1); c.179C>T, p.Ser60Phe (NM_001375349.1); short protein forms S155F, S126F, S133F, S152F, S15F, S60F.
Identifiers: ClinVar variation 1468657 (VCV001468657.8), dbSNP rs267600531, ClinGen allele CA131111685.